The following is an entry in ClinVar:

NM_006018.3(HCAR3):c.990G>A (p.Glu330=)

Gene: HCAR3 (hydroxycarboxylic acid receptor 3; minus strand). Cytogenetic location: 12q24.31.
Variant type: single nucleotide variant.
Coding change: c.990G>A on transcript NM_006018.3 (MANE Select); coding-DNA position 990, G replaced by A.
Protein change: p.Glu330=; no amino-acid change (glutamic acid 330 retained).
Molecular consequence: synonymous variant.
Genome position (GRCh38, 1-based): chr12:122,715,748, C>T on the plus strand (G>A on the coding strand, the complement: HCAR3 is on the minus strand). VCF-style: chr12-122715748-C-T. GRCh37 (hg19) VCF-style: chr12-123200295-C-T.
Identifiers: ClinVar variation 4823677 (VCV004823677.4).

ClinVar aggregate classification (germline): Likely benign (1 of 4 stars; one submission).

Submission:

CeGaT Center for Human Genetics Tuebingen
Classification: Likely benign. Last evaluated: 2026-03-01. Review status: criteria provided, single submitter. Criteria: CeGaT Center For Human Genetics Tuebingen Variant Classification Criteria Version 2. Collection method: clinical testing. Allele origin: germline. Affected: yes. Observed: 1 variant allele.
Comment: HCAR3: BP4, BP7